The following is an entry in ClinVar:

NM_001267550.2(TTN):c.13990G>A (p.Asp4664Asn)

Gene: TTN (titin; minus strand). Cytogenetic location: 2q31.2.
Variant type: single nucleotide variant.
Coding change: c.13990G>A on transcript NM_001267550.2 (MANE Select); coding-DNA position 13990, G replaced by A.
Protein change: p.Asp4664Asn; replaces aspartic acid 4664 with asparagine.
Molecular consequence: missense variant. On other transcripts: intron variant (1).
Genome position (GRCh38, 1-based): chr2:178,739,243, C>T on the plus strand (G>A on the coding strand, the complement: TTN is on the minus strand). VCF-style: chr2-178739243-C-T. GRCh37 (hg19) VCF-style: chr2-179603970-C-T.
Other names: c.13039G>A, p.Asp4347Asn (NM_001256850.1); c.12901G>A, p.Asp4301Asn (NM_003319.4); c.13276G>A, p.Asp4426Asn (NM_133432.3); c.13477G>A, p.Asp4493Asn (NM_133437.4); c.10361-883G>A (NM_133378.4); short protein forms D4493N, D4301N, D4426N, D4347N, D4664N.
Identifiers: ClinVar variation 4985344 (VCV004985344.1).

ClinVar aggregate classification (germline): Uncertain significance (1 of 4 stars; one submission).

Conditions:
TTN-related disorder. Also called: TTN-related disorders; TTN-related condition; TTN-related disease.

gnomAD v4.1: 10 of 1,593,988 alleles (0.00063%); highest among the groups gnomAD compares: East Asian, 0.0068%; no homozygotes.

Submission:

PreventionGenetics, part of Exact Sciences
Classification: Uncertain significance for TTN-related condition. Last evaluated: 2025-05-19. Review status: criteria provided, single submitter. Criteria: ACMG Guidelines, 2015. Collection method: clinical testing. Allele origin: germline.
Comment: The TTN c.13990G>A variant is predicted to result in the amino acid substitution p.Asp4664Asn. This variant has been reported in an individual with arrhythmia who died suddenly (reported as D4301N in transcript NM_003319, Narula et al. 2015. PubMed ID: 25500949). This variant is reported in 0.00092% of alleles in individuals of European (Non-Finnish) descent in gnomAD. At this time, the clinical significance of this variant is uncertain due to the absence of conclusive functional and genetic evidence.